The following is an entry in ClinVar:

ClinVar aggregate classification (germline): Uncertain significance. Review status: criteria provided, multiple submitters, no conflicts (2 of 4 stars). 2 submissions from 2 submitters: Uncertain significance (2). Last evaluated 2025-08-05.

Conditions:
Hypertrophic cardiomyopathy. Also called: HYPERTROPHIC MYOCARDIOPATHY. Identifiers: Orphanet 217569, MedGen C0007194, MeSH D002312, MONDO:0005045, HP:0001639.
Cardiovascular phenotype. Identifiers: MedGen CN230736.

Allele frequency attached by ClinVar (database versions not stated): gnomAD exomes below 0.00001; ExAC 0.00001; TOPMed 0.00001.
gnomAD v4.1: 1 of 1,612,412 alleles (0.000062%); highest among the groups gnomAD compares: African/African-American, 0.0013%; no homozygotes.

Submissions (2):

Ambry Genetics
Classification: Uncertain significance for Cardiovascular phenotype. Last evaluated: 2025-08-05. Review status: criteria provided, single submitter. Criteria: Ambry Variant Classification Scheme 2023. Collection method: clinical testing. Allele origin: germline.
Comment: The p.L1104V variant (also known as c.3310C>G), located in coding exon 24 of the MYH7 gene, results from a C to G substitution at nucleotide position 3310. The leucine at codon 1104 is replaced by valine, an amino acid with highly similar properties. This amino acid position is highly conserved in available vertebrate species. In addition, the in silico prediction for this alteration is inconclusive. Based on the available evidence, the clinical significance of this variant remains unclear.

Labcorp Genetics (formerly Invitae), Labcorp
Classification: Uncertain significance for Hypertrophic cardiomyopathy. Last evaluated: 2024-04-29. Review status: criteria provided, single submitter. Criteria: Invitae Variant Classification Sherloc (09022015). Collection method: clinical testing. Allele origin: germline.
Comment: This sequence change replaces leucine, which is neutral and non-polar, with valine, which is neutral and non-polar, at codon 1104 of the MYH7 protein (p.Leu1104Val). This variant is present in population databases (rs747677662, gnomAD 0.007%). This variant has not been reported in the literature in individuals affected with MYH7-related conditions. ClinVar contains an entry for this variant (Variation ID: 1990780). Advanced modeling of protein sequence and biophysical properties (such as structural, functional, and spatial information, amino acid conservation, physicochemical variation, residue mobility, and thermodynamic stability) performed at Invitae indicates that this missense variant is expected to disrupt MYH7 protein function with a positive predictive value of 95%. In summary, the available evidence is currently insufficient to determine the role of this variant in disease. Therefore, it has been classified as a Variant of Uncertain Significance.

NM_000257.4(MYH7):c.3310C>G (p.Leu1104Val)

Gene: MYH7 (myosin heavy chain 7; minus strand). Cytogenetic location: 14q11.2.
Variant type: single nucleotide variant.
Coding change: c.3310C>G on transcript NM_000257.4 (MANE Select); coding-DNA position 3310, C replaced by G.
Protein change: p.Leu1104Val; replaces leucine 1104 with valine.
Molecular consequence: missense variant.
Genome position (GRCh38, 1-based): chr14:23,420,984, G>C on the plus strand (C>G on the coding strand, the complement: MYH7 is on the minus strand). VCF-style: chr14-23420984-G-C. GRCh37 (hg19) VCF-style: chr14-23890193-G-C.
Other names: c.3310C>G, p.Leu1104Val (NM_001407004.1); short protein forms L1104V.
Identifiers: ClinVar variation 1990780 (VCV001990780.5), dbSNP rs747677662, ClinGen allele CA036711.